The following is an entry in ClinVar:

ClinVar aggregate classification (germline): Uncertain significance (1 of 4 stars; one submission).

Conditions:
Familial cancer of breast. Also called: hereditary breast carcinoma; BREAST CANCER, FAMILIAL; Hereditary breast cancer. Identifiers: Orphanet 227535, MedGen C0346153, MONDO:0016419, OMIM 114480. Disease mechanism: loss of function.
Fanconi anemia complementation group J. Also called: BRIP1-Related Fanconi Anemia. Identifiers: Orphanet 84, MedGen C1836860, MONDO:0012187, OMIM 609054.

Submission:

Labcorp Genetics (formerly Invitae), Labcorp
Classification: Uncertain significance for Familial cancer of breast; Fanconi anemia complementation group J. Last evaluated: 2022-06-27. Review status: criteria provided, single submitter. Criteria: Invitae Variant Classification Sherloc (09022015). Collection method: clinical testing. Allele origin: germline.
Comment: This variant is not present in population databases (gnomAD no frequency). This sequence change replaces glycine, which is neutral and non-polar, with serine, which is neutral and polar, at codon 628 of the BRIP1 protein (p.Gly628Ser). This variant has not been reported in the literature in individuals affected with BRIP1-related conditions. In summary, the available evidence is currently insufficient to determine the role of this variant in disease. Therefore, it has been classified as a Variant of Uncertain Significance. Algorithms developed to predict the effect of sequence changes on RNA splicing suggest that this variant may disrupt the consensus splice site. Algorithms developed to predict the effect of missense changes on protein structure and function are either unavailable or do not agree on the potential impact of this missense change (SIFT: "Tolerated"; PolyPhen-2: "Probably Damaging"; Align-GVGD: "Class C0").

NM_032043.3(BRIP1):c.1882G>A (p.Gly628Ser)

Gene: BRIP1 (BRCA1 interacting DNA helicase 1; minus strand). Cytogenetic location: 17q23.2.
Variant type: single nucleotide variant.
Coding change: c.1882G>A on transcript NM_032043.3 (MANE Select); coding-DNA position 1882, G replaced by A.
Protein change: p.Gly628Ser; replaces glycine 628 with serine.
Molecular consequence: missense variant.
Genome position (GRCh38, 1-based): chr17:61,780,314, C>T on the plus strand (G>A on the coding strand, the complement: BRIP1 is on the minus strand). VCF-style: chr17-61780314-C-T. GRCh37 (hg19) VCF-style: chr17-59857675-C-T.
Other names: short protein forms G628S.
Identifiers: ClinVar variation 2011384 (VCV002011384.4), dbSNP rs2145077285, ClinGen allele CA400479355.